The following is an entry in ClinVar:

NM_004082.5(DCTN1):c.2620A>C (p.Ser874Arg)

Gene: DCTN1 (dynactin subunit 1; minus strand). Cytogenetic location: 2p13.1.
Variant type: single nucleotide variant.
Coding change: c.2620A>C on transcript NM_004082.5 (MANE Select); coding-DNA position 2620, A replaced by C.
Protein change: p.Ser874Arg; replaces serine 874 with arginine.
Molecular consequence: missense variant. On other transcripts: non-coding transcript variant (1).
Genome position (GRCh38, 1-based): chr2:74,366,467, T>G on the plus strand (A>C on the coding strand, the complement: DCTN1 is on the minus strand). VCF-style: chr2-74366467-T-G. GRCh37 (hg19) VCF-style: chr2-74593594-T-G.
Other names: c.2560A>C, p.Ser854Arg (NM_001135040.3); c.2218A>C, p.Ser740Arg (NM_001135041.3, NM_023019.4); c.2509A>C, p.Ser837Arg (NM_001190836.2); c.2599A>C, p.Ser867Arg (NM_001190837.2); c.2569A>C, p.Ser857Arg (NM_001378991.1); c.2551A>C, p.Ser851Arg (NM_001378992.1); short protein forms S854R, S867R, S874R, S740R, S851R, S857R, S837R.
Identifiers: ClinVar variation 4783538 (VCV004783538.1).

ClinVar aggregate classification (germline): Uncertain significance (1 of 4 stars; one submission).

Conditions:
Amyotrophic lateral sclerosis type 1 (ALS1). Also called: AMYOTROPHIC LATERAL SCLEROSIS 1, FAMILIAL. Identifiers: Orphanet 803, MedGen C1862939, MONDO:0007103, OMIM 105400.
Neuronopathy, distal hereditary motor, type 7B. Also called: NEURONOPATHY, DISTAL HEREDITARY MOTOR, AUTOSOMAL DOMINANT 14; NEURONOPATHY, DISTAL HEREDITARY MOTOR, HARDING TYPE VIIB; NEUROPATHY, DISTAL HEREDITARY MOTOR, HARDING TYPE VIIB; NEUROPATHY, DISTAL HEREDITARY MOTOR, WITH VOCAL CORD PARALYSIS, HARDING TYPE VIIB; Distal Hereditary Motor Neuronopathy Type 7B (dHMN7B); HMN VIIB. Identifiers: Orphanet 139589, MedGen C1843315, MONDO:0011879, OMIM 607641.
Perry syndrome. Also called: PARKINSONISM WITH ALVEOLAR HYPOVENTILATION AND MENTAL DEPRESSION. Identifiers: Orphanet 178509, MedGen C1868594, MONDO:0008201, OMIM 168605.

gnomAD v4.1: 2 of 1,614,234 alleles (0.00012%); highest among the groups gnomAD compares: South Asian, 0.0022%; no homozygotes.

Submission:

Labcorp Genetics (formerly Invitae), Labcorp
Classification: Uncertain significance for Amyotrophic lateral sclerosis type 1; Neuronopathy, distal hereditary motor, type 7B; Perry syndrome. Last evaluated: 2025-03-09. Review status: criteria provided, single submitter. Criteria: Invitae Variant Classification Sherloc (09022015). Collection method: clinical testing. Allele origin: germline.
Comment: This sequence change replaces serine, which is neutral and polar, with arginine, which is basic and polar, at codon 874 of the DCTN1 protein (p.Ser874Arg). This variant is present in population databases (rs763527090, gnomAD 0.003%). This variant has not been reported in the literature in individuals affected with DCTN1-related conditions. Invitae Evidence Modeling of protein sequence and biophysical properties (such as structural, functional, and spatial information, amino acid conservation, physicochemical variation, residue mobility, and thermodynamic stability) indicates that this missense variant is not expected to disrupt DCTN1 protein function with a negative predictive value of 95%. In summary, the available evidence is currently insufficient to determine the role of this variant in disease. Therefore, it has been classified as a Variant of Uncertain Significance.